The following is an entry in ClinVar:

NM_001166114.2(PNPLA6):c.684C>T (p.Asp228=)

Gene: PNPLA6 (patatin like domain 6, lysophospholipase; plus strand). Cytogenetic location: 19p13.2.
Variant type: single nucleotide variant.
Coding change: c.684C>T on transcript NM_001166114.2 (MANE Select); coding-DNA position 684, C replaced by T.
Protein change: p.Asp228=; no amino-acid change (aspartic acid 228 retained).
Molecular consequence: synonymous variant.
Genome position (GRCh38, 1-based): chr19:7,540,278, C>T. VCF-style: chr19-7540278-C-T. GRCh37 (hg19) VCF-style: chr19-7605164-C-T.
Other names: p.Asp189=; c.711C>T, p.Asp237= (NM_001166111.2); c.567C>T, p.Asp189= (NM_001166112.2, NM_001166113.1, NM_006702.5).
Identifiers: ClinVar variation 704529 (VCV000704529.17), dbSNP rs375424103, ClinGen allele CA9139528.

ClinVar aggregate classification (germline): Conflicting classifications of pathogenicity. Review status: criteria provided, conflicting classifications (1 of 4 stars). 4 submissions from 4 submitters: Uncertain significance (1); Likely benign (3). Last evaluated 2025-12-17.

Conditions:
Hereditary spastic paraplegia 39 (SPG39). Also called: Spastic Paraplegia Type 39 (SPG39); SPASTIC PARAPLEGIA 39, AUTOSOMAL RECESSIVE. Identifiers: Orphanet 139480, MedGen C2677586, MONDO:0012787, OMIM 612020.

Allele frequency attached by ClinVar (database versions not stated): gnomAD 0.00001; TOPMed 0.00002; gnomAD exomes 0.00005; ExAC 0.00006.
gnomAD v4.1: 45 of 1,607,656 alleles (0.0028%); highest among the groups gnomAD compares: Admixed American, 0.0067%; no homozygotes.

Submissions (4):

Labcorp Genetics (formerly Invitae), Labcorp
Classification: Likely benign for Hereditary spastic paraplegia 39. Last evaluated: 2025-12-17. Review status: criteria provided, single submitter. Criteria: Invitae Variant Classification Sherloc (09022015). Collection method: clinical testing. Allele origin: germline.

Mayo Clinic Laboratories, Mayo Clinic
Classification: Likely benign. Last evaluated: 2025-09-04. Review status: criteria provided, single submitter. Criteria: ACMG Guidelines, 2015. Collection method: clinical testing. Allele origin: germline. Observed: 1 variant allele.
Comment: BP4, BP7

Blueprint Genetics
Classification: Likely benign. Last evaluated: 2019-11-06. Review status: criteria provided, single submitter. Criteria: ACMG Guidelines, 2015. Collection method: clinical testing. Allele origin: germline.

Illumina Laboratory Services, Illumina
Classification: Uncertain significance for Hereditary spastic paraplegia 39. Last evaluated: 2018-01-13. Review status: criteria provided, single submitter. Criteria: ICSL Variant Classification Criteria 13 December 2019. Collection method: clinical testing. Allele origin: germline.